The following is an entry in ClinVar:

NM_001102469.2(LIPN):c.395C>T (p.Ser132Leu)

Gene: LIPN (lipase family member N; plus strand). Cytogenetic location: 10q23.31.
Variant type: single nucleotide variant.
Coding change: c.395C>T on transcript NM_001102469.2 (MANE Select); coding-DNA position 395, C replaced by T.
Protein change: p.Ser132Leu; replaces serine 132 with leucine.
Molecular consequence: missense variant.
Genome position (GRCh38, 1-based): chr10:88,764,578, C>T. VCF-style: chr10-88764578-C-T. GRCh37 (hg19) VCF-style: chr10-90524335-C-T.
Other names: c.395C>T (NM_001102469.1); short protein forms S132L.
Identifiers: ClinVar variation 1557859 (VCV001557859.11), dbSNP rs41284088, ClinGen allele CA5591844.

ClinVar aggregate classification (germline): Benign. Review status: criteria provided, multiple submitters, no conflicts (2 of 4 stars). 3 submissions from 3 submitters: Benign (2). 1 of the submissions does not count toward it. Last evaluated 2026-01-21.

Conditions:
LIPN-related disorder. Also called: LIPN-related condition.

Allele frequency attached by ClinVar (database versions not stated): gnomAD exomes 0.02226 and 0.02076; 1000 Genomes Project 30x 0.00828; 1000 Genomes Project 0.00879; ESP Exome Variant Server 0.01733; ExAC 0.02108.

Submissions (3):

Labcorp Genetics (formerly Invitae), Labcorp
Classification: Benign. Last evaluated: 2026-01-21. Review status: criteria provided, single submitter. Criteria: Invitae Variant Classification Sherloc (09022015). Collection method: clinical testing. Allele origin: germline.

Breakthrough Genomics
Classification: Benign. Review status: criteria provided, single submitter. Criteria: ACMG Guidelines, 2015. Collection method: not provided. Allele origin: germline. Inheritance: Autosomal recessive inheritance. Affected: yes.

PreventionGenetics, part of Exact Sciences
Classification: Benign for LIPN-related condition. Last evaluated: 2024-02-01. Review status: no assertion criteria provided. Collection method: clinical testing. Allele origin: germline. Not counted in ClinVar's aggregate classification.
Comment: This variant is classified as benign based on ACMG/AMP sequence variant interpretation guidelines (Richards et al. 2015 PMID: 25741868, with internal and published modifications).